The following is an entry in ClinVar:

NM_182914.3(SYNE2):c.15527A>T (p.Glu5176Val)

Gene: SYNE2 (spectrin repeat containing nuclear envelope protein 2; plus strand). Cytogenetic location: 14q23.2.
Variant type: single nucleotide variant.
Coding change: c.15527A>T on transcript NM_182914.3 (MANE Select); coding-DNA position 15527, A replaced by T.
Protein change: p.Glu5176Val; replaces glutamic acid 5176 with valine.
Molecular consequence: missense variant.
Genome position (GRCh38, 1-based): chr14:64,146,111, A>T. VCF-style: chr14-64146111-A-T. GRCh37 (hg19) VCF-style: chr14-64612829-A-T.
Other names: c.15527A>T, p.Glu5176Val (NM_015180.6); short protein forms E5176V.
Identifiers: ClinVar variation 651346 (VCV000651346.10), dbSNP rs1595828652, ClinGen allele CA389946932.

ClinVar aggregate classification (germline): Uncertain significance (1 of 4 stars; one submission).

Conditions:
Emery-Dreifuss muscular dystrophy 5, autosomal dominant (EDMD5). Also called: EMERY-DREIFUSS MUSCULAR DYSTROPHY 5. Identifiers: Orphanet 261, MedGen C2751805, MONDO:0013072, OMIM 612999.

Submission:

Labcorp Genetics (formerly Invitae), Labcorp
Classification: Uncertain significance for Emery-Dreifuss muscular dystrophy 5, autosomal dominant. Last evaluated: 2022-03-18. Review status: criteria provided, single submitter. Criteria: Invitae Variant Classification Sherloc (09022015). Collection method: clinical testing. Allele origin: germline.
Comment: This sequence change replaces glutamic acid, which is acidic and polar, with valine, which is neutral and non-polar, at codon 5176 of the SYNE2 protein (p.Glu5176Val). This variant is not present in population databases (gnomAD no frequency). This variant has not been reported in the literature in individuals affected with SYNE2-related conditions. ClinVar contains an entry for this variant (Variation ID: 651346). Algorithms developed to predict the effect of missense changes on protein structure and function are either unavailable or do not agree on the potential impact of this missense change (SIFT: "Tolerated"; PolyPhen-2: "Probably Damaging"; Align-GVGD: "Class C0"). In summary, the available evidence is currently insufficient to determine the role of this variant in disease. Therefore, it has been classified as a Variant of Uncertain Significance.